The following is an entry in ClinVar:

ClinVar aggregate classification (germline): Likely benign (0 of 4 stars; one submission).

Conditions:
COL1A1-related disorder. Also called: COL1A1-related condition; COL1A1- related disease.

Submission:

PreventionGenetics, part of Exact Sciences
Classification: Likely benign for COL1A1-related condition. Last evaluated: 2021-09-17. Review status: no assertion criteria provided. Collection method: clinical testing. Allele origin: germline.
Comment: This variant is classified as likely benign based on ACMG/AMP sequence variant interpretation guidelines (Richards et al. 2015 PMID: 25741868, with internal and published modifications).

NM_000088.4(COL1A1):c.*242_*244dup

Gene: COL1A1 (collagen type I alpha 1 chain; minus strand). Cytogenetic location: 17q21.33.
Variant type: Duplication.
Coding change: c.*242_*244dup on transcript NM_000088.4 (MANE Select); 242 bases downstream of the stop codon through 244 bases downstream of the stop codon, 3 bases duplicated (AAA; older notation c.*242_*244dupAAA).
Molecular consequence: 3 prime UTR variant.
Genome position (GRCh38, 1-based): chr17:50,185,258-50,185,260, TTT duplicated on the plus strand (AAA on the coding strand, the reverse complement: COL1A1 is on the minus strand); duplicating any 3 consecutive bases within chr17:50,185,258-50,185,276 gives the same sequence; the c. name uses the placement nearest the transcript's 3' end. VCF-style (leftmost placement, unchanged base first): chr17-50185257-C-CTTT. GRCh37 (hg19) VCF-style: chr17-48262618-C-CTTT.
Identifiers: ClinVar variation 324089 (VCV000324089.7), dbSNP rs56302025, ClinGen allele CA10646177.